The following is an entry in ClinVar:

ClinVar aggregate classification (germline): Uncertain significance. Review status: criteria provided, multiple submitters, no conflicts (2 of 4 stars). 2 submissions from 2 submitters: Uncertain significance (2). Last evaluated 2024-06-30.

Conditions:
Aortic aneurysm, familial thoracic 4 (AAT4). Also called: AORTIC ANEURYSM/AORTIC DISSECTION AND PATENT DUCTUS ARTERIOSUS. Identifiers: MedGen C1851504, MONDO:0007568, OMIM 132900.

Submissions (2):

Labcorp Genetics (formerly Invitae), Labcorp
Classification: Uncertain significance for Aortic aneurysm, familial thoracic 4. Last evaluated: 2024-06-30. Review status: criteria provided, single submitter. Criteria: Invitae Variant Classification Sherloc (09022015). Collection method: clinical testing. Allele origin: germline.
Comment: This sequence change replaces lysine, which is basic and polar, with asparagine, which is neutral and polar, at codon 301 of the MYH11 protein (p.Lys301Asn). This variant is not present in population databases (gnomAD no frequency). This variant has not been reported in the literature in individuals affected with MYH11-related conditions. Advanced modeling of protein sequence and biophysical properties (such as structural, functional, and spatial information, amino acid conservation, physicochemical variation, residue mobility, and thermodynamic stability) performed at Invitae indicates that this missense variant is not expected to disrupt MYH11 protein function with a negative predictive value of 95%. In summary, the available evidence is currently insufficient to determine the role of this variant in disease. Therefore, it has been classified as a Variant of Uncertain Significance.

Women's Health and Genetics/Laboratory Corporation of America, LabCorp
Classification: Uncertain significance. Last evaluated: 2024-04-15. Review status: criteria provided, single submitter. Criteria: LabCorp Variant Classification Summary - May 2015. Collection method: clinical testing. Allele origin: germline.
Comment: Variant summary: MYH11 c.903G>C (p.Lys301Asn) results in a non-conservative amino acid change located in the Myosin head, motor domain (IPR001609) of the encoded protein sequence. Three of five in-silico tools predict a benign effect of the variant on protein function. The variant was absent in 251480 control chromosomes (gnomAD). The available data on variant occurrences in the general population are insufficient to allow any conclusion about variant significance. To our knowledge, no occurrence of c.903G>C in individuals affected with Aortopathy and no experimental evidence demonstrating its impact on protein function have been reported. ClinVar contains an entry for this variant (Variation ID: 2888390). Based on the evidence outlined above, the variant was classified as uncertain significance.

NM_002474.3(MYH11):c.882G>C (p.Lys294Asn)

Gene: MYH11 (myosin heavy chain 11; minus strand). Cytogenetic location: 16p13.11.
Variant type: single nucleotide variant.
Coding change: c.882G>C on transcript NM_002474.3 (MANE Select); coding-DNA position 882, G replaced by C.
Protein change: p.Lys294Asn; replaces lysine 294 with asparagine.
Molecular consequence: missense variant.
Genome position (GRCh38, 1-based): chr16:15,776,085, C>G on the plus strand (G>C on the coding strand, the complement: MYH11 is on the minus strand). VCF-style: chr16-15776085-C-G. GRCh37 (hg19) VCF-style: chr16-15869942-C-G.
Other names: c.903G>C, p.Lys301Asn (NM_001040113.2, NM_001040114.2); c.882G>C, p.Lys294Asn (NM_022844.3); short protein forms K294N, K301N.
Identifiers: ClinVar variation 2888390 (VCV002888390.4), dbSNP rs536912174, ClinGen allele CA394869381.
Genomic context (GRCh38, chr16:15,776,085, plus strand): 5'-GATGAAAGGGAAGGCTCAAGCCATCCAATCACATGTCATTGCTAGTCACTTACTTCTCAT[C>G]TTCTCCTTGGCTCCAGCAATCATGTAGTAAAAGATGTGGAATGTCCTCTCGTCTCTGGCT-3'
Protein context (NP_002465.1, residues 284-304): FYYMIAGAKE[Lys294Asn]MRSDLLLEGF